The following is an entry in ClinVar:

NM_201384.3(PLEC):c.4643C>G (p.Ala1548Gly)

Gene: PLEC (plectin; minus strand). Cytogenetic location: 8q24.3.
Variant type: single nucleotide variant.
Coding change: c.4643C>G on transcript NM_201384.3 (MANE Select); coding-DNA position 4643, C replaced by G.
Protein change: p.Ala1548Gly; replaces alanine 1548 with glycine.
Molecular consequence: missense variant.
Genome position (GRCh38, 1-based): chr8:143,925,286, G>C on the plus strand (C>G on the coding strand, the complement: PLEC is on the minus strand). VCF-style: chr8-143925286-G-C. GRCh37 (hg19) VCF-style: chr8-144999454-G-C.
Other names: c.5054C>G, p.Ala1685Gly (NM_201380.4); c.4547C>G, p.Ala1516Gly (NM_201381.3); c.4643C>G, p.Ala1548Gly (NM_201382.4); c.4655C>G, p.Ala1552Gly (NM_201383.3); c.4724C>G, p.Ala1575Gly (NM_000445.5); c.4601C>G, p.Ala1534Gly (NM_201378.4); c.4577C>G, p.Ala1526Gly (NM_201379.3); short protein forms A1516G, A1526G, A1534G, A1548G, A1552G, A1575G, A1685G.
Identifiers: ClinVar variation 1021910 (VCV001021910.5), dbSNP rs533788232, ClinGen allele CA372554499.

ClinVar aggregate classification (germline): Uncertain significance (1 of 4 stars; one submission).

Conditions:
Epidermolysis bullosa simplex with nail dystrophy (EBS5D). Identifiers: MedGen C4225309, MONDO:0014661, OMIM 616487.
Epidermolysis bullosa simplex 5B, with muscular dystrophy (EBS5B). Also called: EPIDERMOLYSIS BULLOSA SIMPLEX AND LIMB-GIRDLE MUSCULAR DYSTROPHY; Epidermolysis bullosa simplex with muscular dystrophy. Identifiers: Orphanet 257, MedGen C2931072, MONDO:0009181, OMIM 226670.
Epidermolysis bullosa simplex, Ogna type (EBS5A). Also called: Pidermolysis bullosa simplex 5A, Ogna type; EPIDERMOLYSIS BULLOSA SIMPLEX 5A, OGNA TYPE. Identifiers: Orphanet 79401, MedGen C0432317, MONDO:0007555, OMIM 131950.
Epidermolysis bullosa simplex 5C, with pyloric atresia (EBS5C). Also called: PLEC-Related Epidermolysis Bullosa with Pyloric Atresia; Epidermolysis bullosa simplex with pyloric atresia; PLEC1-Related Epidermolysis Bullosa with Pyloric Atresia. Identifiers: Orphanet 158684, MedGen C2677349, MONDO:0012807, OMIM 612138.
Autosomal recessive limb-girdle muscular dystrophy type 2Q (LGMDR17). Also called: MUSCULAR DYSTROPHY, LIMB-GIRDLE, AUTOSOMAL RECESSIVE 17. Identifiers: Orphanet 254361, MedGen C3150989, MONDO:0013390, OMIM 613723.

gnomAD v4.1: 1 of 1,575,622 alleles (0.000063%); highest among the groups gnomAD compares: Non-Finnish European, 0.000086%; no homozygotes.

Submission:

Labcorp Genetics (formerly Invitae), Labcorp
Classification: Uncertain significance for Autosomal recessive limb-girdle muscular dystrophy type 2Q; Epidermolysis bullosa simplex, Ogna type; Epidermolysis bullosa simplex with nail dystrophy; Epidermolysis bullosa simplex 5C, with pyloric atresia; Epidermolysis bullosa simplex 5B, with muscular dystrophy. Last evaluated: 2021-06-28. Review status: criteria provided, single submitter. Criteria: Invitae Variant Classification Sherloc (09022015). Collection method: clinical testing. Allele origin: germline.
Comment: In summary, the available evidence is currently insufficient to determine the role of this variant in disease. Therefore, it has been classified as a Variant of Uncertain Significance. Algorithms developed to predict the effect of missense changes on protein structure and function are either unavailable or do not agree on the potential impact of this missense change (SIFT: "Deleterious"; PolyPhen-2: "Not Available"; Align-GVGD: "Class C55"). This variant has not been reported in the literature in individuals with PLEC-related conditions. This variant is not present in population databases (ExAC no frequency). This sequence change replaces alanine with glycine at codon 1575 of the PLEC protein (p.Ala1575Gly). The alanine residue is highly conserved and there is a small physicochemical difference between alanine and glycine.